The following is an entry in ClinVar:

ClinVar aggregate classification (germline): Conflicting classifications of pathogenicity. Review status: criteria provided, conflicting classifications (1 of 4 stars). 2 submissions from 2 submitters: Uncertain significance (1); Likely benign (1). Last evaluated 2024-11-26.

Allele frequency attached by ClinVar (database versions not stated): 1000 Genomes Project 30x 0.00016; 1000 Genomes Project 0.00020; ESP Exome Variant Server 0.00039; ExAC 0.00071; gnomAD 0.00123; TOPMed 0.00138.
gnomAD v4.1: 1,967 of 1,610,692 alleles (0.12%); highest among the groups gnomAD compares: Admixed American, 0.29%; 3 homozygotes.

Submissions (2):

Ambry Genetics
Classification: Uncertain significance. Last evaluated: 2024-11-26. Review status: criteria provided, single submitter. Criteria: Ambry Variant Classification Scheme 2023. Collection method: clinical testing. Allele origin: germline.

CeGaT Center for Human Genetics Tuebingen
Classification: Likely benign. Last evaluated: 2022-11-01. Review status: criteria provided, single submitter. Criteria: CeGaT Center For Human Genetics Tuebingen Variant Classification Criteria Version 2. Collection method: clinical testing. Allele origin: germline. Affected: yes. Observed: 1 variant allele.
Comment: ADAMTS7: BP4, BS2

NM_014272.5(ADAMTS7):c.4165C>T (p.Pro1389Ser)

Gene: ADAMTS7 (ADAM metallopeptidase with thrombospondin type 1 motif 7; minus strand). Cytogenetic location: 15q25.1.
Variant type: single nucleotide variant.
Coding change: c.4165C>T on transcript NM_014272.5 (MANE Select); coding-DNA position 4165, C replaced by T.
Protein change: p.Pro1389Ser; replaces proline 1389 with serine.
Molecular consequence: missense variant.
Genome position (GRCh38, 1-based): chr15:78,765,746, G>A on the plus strand (C>T on the coding strand, the complement: ADAMTS7 is on the minus strand). VCF-style: chr15-78765746-G-A. GRCh37 (hg19) VCF-style: chr15-79058088-G-A.
Other names: short protein forms P1389S.
Identifiers: ClinVar variation 2373857 (VCV002373857.27), dbSNP rs145671340, ClinGen allele CA7685571.